The following is an entry in ClinVar:

NM_033026.6(PCLO):c.9953A>G (p.Tyr3318Cys)

Gene: PCLO (piccolo presynaptic cytomatrix protein; minus strand). Cytogenetic location: 7q21.11.
Variant type: single nucleotide variant.
Coding change: c.9953A>G on transcript NM_033026.6 (MANE Select); coding-DNA position 9953, A replaced by G.
Protein change: p.Tyr3318Cys; replaces tyrosine 3318 with cysteine.
Molecular consequence: missense variant.
Genome position (GRCh38, 1-based): chr7:82,950,635, T>C on the plus strand (A>G on the coding strand, the complement: PCLO is on the minus strand). VCF-style: chr7-82950635-T-C. GRCh37 (hg19) VCF-style: chr7-82579951-T-C.
Other names: c.9953A>G, p.Tyr3318Cys (NM_014510.3); short protein forms Y3318C.
Identifiers: ClinVar variation 1359838 (VCV001359838.6), dbSNP rs376865880, ClinGen allele CA4319819.

ClinVar aggregate classification (germline): Uncertain significance (1 of 4 stars; one submission).

Allele frequency attached by ClinVar (database versions not stated): gnomAD exomes below 0.00001 and 0.00002; TOPMed 0.00002; ExAC 0.00004; ESP Exome Variant Server 0.00008.
gnomAD v4.1: 7 of 1,613,874 alleles (0.00043%); highest among the groups gnomAD compares: Middle Eastern, 0.016%; no homozygotes.

Submission:

Labcorp Genetics (formerly Invitae), Labcorp
Classification: Uncertain significance. Last evaluated: 2022-09-13. Review status: criteria provided, single submitter. Criteria: Invitae Variant Classification Sherloc (09022015). Collection method: clinical testing. Allele origin: germline.
Comment: In summary, the available evidence is currently insufficient to determine the role of this variant in disease. Therefore, it has been classified as a Variant of Uncertain Significance. Algorithms developed to predict the effect of sequence changes on RNA splicing suggest that this variant may create or strengthen a splice site. Algorithms developed to predict the effect of missense changes on protein structure and function are either unavailable or do not agree on the potential impact of this missense change (SIFT: "Deleterious"; PolyPhen-2: "Not Available"; Align-GVGD: "Class C0"). ClinVar contains an entry for this variant (Variation ID: 1359838). This variant has not been reported in the literature in individuals affected with PCLO-related conditions. This variant is present in population databases (rs376865880, gnomAD 0.007%). This sequence change replaces tyrosine, which is neutral and polar, with cysteine, which is neutral and slightly polar, at codon 3318 of the PCLO protein (p.Tyr3318Cys).